The following is an entry in ClinVar:

ClinVar aggregate classification (germline): Uncertain significance. Review status: criteria provided, multiple submitters, no conflicts (2 of 4 stars). 3 submissions from 3 submitters: Uncertain significance (3). Last evaluated 2025-01-13.

Conditions:
Primary failure of tooth eruption. Also called: PRIMARY RETENTION OF TEETH; UNERUPTED SECOND PRIMARY MOLAR; POSTERIOR OPENBITE MALOCCLUSION, FAMILIAL; DENTAL NONERUPTION. Identifiers: Orphanet 412206, MedGen C1852222, MONDO:0007434, OMIM 125350.
Chondrodysplasia Blomstrand type (BOCD). Identifiers: Orphanet 50945, MedGen C1859148, MONDO:0008970, OMIM 215045.
Eiken syndrome (EKNS). Also called: BONE MODELING DEFECT OF HANDS AND FEET. Identifiers: Orphanet 79106, MedGen C1838779, MONDO:0010803, OMIM 600002.
Metaphyseal chondrodysplasia, Jansen type. Also called: Metaphyseal chondrodysplasia Murk Jansen type; PTH1R-Related Jansen Metaphyseal Chondrodysplasia. Identifiers: Orphanet 33067, MedGen C0265295, MONDO:0007982, OMIM 156400.
Inborn genetic diseases. Identifiers: MedGen C0950123, MeSH D030342.

Allele frequency attached by ClinVar (database versions not stated): gnomAD 0.00009; 1000 Genomes Project 30x 0.00016; 1000 Genomes Project 0.00020; ExAC 0.00005; gnomAD exomes 0.00007.
gnomAD v4.1: 50 of 1,612,916 alleles (0.0031%); highest among the groups gnomAD compares: African/African-American, 0.027%; no homozygotes.

Submissions (3):

Labcorp Genetics (formerly Invitae), Labcorp
Classification: Uncertain significance. Last evaluated: 2025-01-13. Review status: criteria provided, single submitter. Criteria: Invitae Variant Classification Sherloc (09022015). Collection method: clinical testing. Allele origin: germline.
Comment: This sequence change replaces arginine, which is basic and polar, with glutamine, which is neutral and polar, at codon 580 of the PTH1R protein (p.Arg580Gln). This variant is present in population databases (rs199993460, gnomAD 0.03%). This variant has not been reported in the literature in individuals affected with PTH1R-related conditions. ClinVar contains an entry for this variant (Variation ID: 1355105). An algorithm developed to predict the effect of missense changes on protein structure and function outputs the following: PolyPhen-2: "Benign". The glutamine amino acid residue is found in multiple mammalian species, which suggests that this missense change does not adversely affect protein function. In summary, the available evidence is currently insufficient to determine the role of this variant in disease. Therefore, it has been classified as a Variant of Uncertain Significance.

Fulgent Genetics
Classification: Uncertain significance for Primary failure of tooth eruption; Metaphyseal chondrodysplasia, Jansen type; Chondrodysplasia Blomstrand type; Eiken syndrome. Last evaluated: 2024-06-12. Review status: criteria provided, single submitter. Criteria: ACMG Guidelines, 2015. Collection method: clinical testing. Allele origin: germline.

Ambry Genetics
Classification: Uncertain significance for Inborn genetic diseases. Last evaluated: 2023-05-05. Review status: criteria provided, single submitter. Criteria: Ambry Variant Classification Scheme 2023. Collection method: clinical testing. Allele origin: germline.

NM_000316.3(PTH1R):c.1739G>A (p.Arg580Gln)

Gene: PTH1R (parathyroid hormone 1 receptor; plus strand). Cytogenetic location: 3p21.31.
Variant type: single nucleotide variant.
Coding change: c.1739G>A on transcript NM_000316.3 (MANE Select); coding-DNA position 1739, G replaced by A.
Protein change: p.Arg580Gln; replaces arginine 580 with glutamine.
Molecular consequence: missense variant.
Genome position (GRCh38, 1-based): chr3:46,903,613, G>A. VCF-style: chr3-46903613-G-A. GRCh37 (hg19) VCF-style: chr3-46945103-G-A.
Other names: c.1739G>A, p.Arg580Gln (NM_001184744.1); c.1739G>A (NM_000316.2); short protein forms R580Q.
Identifiers: ClinVar variation 1355105 (VCV001355105.10), dbSNP rs199993460, ClinGen allele CA2359618.